The following is an entry in ClinVar:

ClinVar aggregate classification (germline): Benign/Likely benign. Review status: criteria provided, multiple submitters, no conflicts (2 of 4 stars). 3 submissions from 3 submitters: Benign (1); Likely benign (2). Last evaluated 2026-04-28.

Conditions:
Hereditary cancer-predisposing syndrome. Also called: Hereditary Cancer Syndrome; Neoplastic Syndromes, Hereditary; Hereditary neoplastic syndrome; Tumor predisposition. Identifiers: Orphanet 140162, MedGen C0027672, MeSH D009386, MONDO:0015356.
Oligodontia-cancer predisposition syndrome. Also called: TOOTH AGENESIS-COLORECTAL CANCER SYNDROME. Identifiers: Orphanet 300576, MedGen C1837750, MONDO:0012075, OMIM 608615. Disease mechanism: loss of function.

Submissions (3):

Ambry Genetics
Classification: Likely benign for Hereditary cancer-predisposing syndrome. Last evaluated: 2026-04-28. Review status: criteria provided, single submitter. Criteria: Ambry Variant Classification Scheme 2023. Collection method: clinical testing. Allele origin: germline.

Myriad Genetics, Inc.
Classification: Benign for Oligodontia-cancer predisposition syndrome. Last evaluated: 2024-07-09. Review status: criteria provided, single submitter. Criteria: Myriad Autosomal Dominant, Autosomal Recessive and X-Linked Classification Criteria (2023). Collection method: clinical testing. Allele origin: unknown.
Comment: This variant is considered benign. This variant is a silent/synonymous amino acid change and it is not expected to impact splicing.

Labcorp Genetics (formerly Invitae), Labcorp
Classification: Likely benign for Oligodontia-cancer predisposition syndrome. Last evaluated: 2024-04-15. Review status: criteria provided, single submitter. Criteria: Invitae Variant Classification Sherloc (09022015). Collection method: clinical testing. Allele origin: germline.

NM_004655.4(AXIN2):c.2037C>T (p.Phe679=)

Gene: AXIN2 (axin 2; minus strand). Cytogenetic location: 17q24.1.
Variant type: single nucleotide variant.
Coding change: c.2037C>T on transcript NM_004655.4 (MANE Select); coding-DNA position 2037, C replaced by T.
Protein change: p.Phe679=; no amino-acid change (phenylalanine 679 retained).
Molecular consequence: synonymous variant.
Genome position (GRCh38, 1-based): chr17:65,536,424, G>A on the plus strand (C>T on the coding strand, the complement: AXIN2 is on the minus strand). VCF-style: chr17-65536424-G-A. GRCh37 (hg19) VCF-style: chr17-63532542-G-A.
Other names: c.1842C>T, p.Phe614= (NM_001363813.1); c.2037C>T (NM_004655.3).
Identifiers: ClinVar variation 1592335 (VCV001592335.10), dbSNP rs1165276318, ClinGen allele CA501690938.